The following is an entry in ClinVar:

NM_015046.7(SETX):c.2773GAG[1] (p.Glu926del)

Gene: SETX (senataxin; minus strand). Cytogenetic location: 9q34.13.
Variant type: Microsatellite.
Coding change: c.2773GAG[1] on transcript NM_015046.7 (MANE Select); one copy of the 3-base unit GAG starting at c.2773; the reference has two copies in a row; one copy, 3 bases deleted.
Protein change: p.Glu926del; deletes glutamic acid 926.
Molecular consequence: inframe deletion.
Genome position (GRCh38, 1-based): chr9:132,328,820-132,328,822, CTC deleted on the plus strand (GAG on the coding strand, the reverse complement: SETX is on the minus strand); deleting any 3 consecutive bases within chr9:132,328,820-132,328,825 gives the same sequence; the position shown is the placement nearest the transcript's 3' end. VCF-style (leftmost placement, unchanged base first): chr9-132328819-TCTC-T. GRCh37 (hg19) VCF-style: chr9-135204206-TCTC-T.
Other names: c.2773GAG[1], p.Glu926del (NM_001351527.2, NM_001351528.2); short protein forms E926del.
Identifiers: ClinVar variation 1984447 (VCV001984447.4), dbSNP rs763521648, ClinGen allele CA5297531.
Genomic context (GRCh38, chr9:132,328,819, plus strand): 5'-TGATGTCAGGGGCCTGTTCTCTTGTCAAGTTAGAATAAATCACACTGGTACTATTACTCA[TCTC>T]CTCATCTCTTGATTCAGGTACAGTCATAAGATCTTTAAAGGGAGATGATTTCTTCTCTGA-3'

ClinVar aggregate classification (germline): Uncertain significance (1 of 4 stars; one submission).

Conditions:
Spinocerebellar ataxia, autosomal recessive, with axonal neuropathy 2 (SCAN2). Also called: ATAXIA-OCULOMOTOR APRAXIA 2; Ataxia with Oculomotor Apraxia Type 2; Ataxia-ocular apraxia-2; Ataxia with Oculomotor Apraxia. Identifiers: Orphanet 64753, MedGen C1853761, MONDO:0018996, OMIM 606002.
Amyotrophic lateral sclerosis type 4 (ALS4). Also called: NEURONOPATHY, DISTAL HEREDITARY MOTOR, WITH PYRAMIDAL FEATURES; AMYOTROPHIC LATERAL SCLEROSIS 4, JUVENILE. Identifiers: Orphanet 357043, MedGen C1865409, MONDO:0011223, OMIM 602433.

Submission:

Labcorp Genetics (formerly Invitae), Labcorp
Classification: Uncertain significance for Amyotrophic lateral sclerosis type 4; Spinocerebellar ataxia, autosomal recessive, with axonal neuropathy 2. Last evaluated: 2025-03-24. Review status: criteria provided, single submitter. Criteria: Invitae Variant Classification Sherloc (09022015). Collection method: clinical testing. Allele origin: germline.
Comment: This variant, c.2776_2778del, results in the deletion of 1 amino acid(s) of the SETX protein (p.Glu926del), but otherwise preserves the integrity of the reading frame. This variant is present in population databases (rs763521648, gnomAD 0.01%). This variant has not been reported in the literature in individuals affected with SETX-related conditions. Experimental studies and prediction algorithms are not available or were not evaluated, and the functional significance of this variant is currently unknown. In summary, the available evidence is currently insufficient to determine the role of this variant in disease. Therefore, it has been classified as a Variant of Uncertain Significance.